The following is an entry in ClinVar:

ClinVar aggregate classification (germline): Uncertain significance. Review status: criteria provided, multiple submitters, no conflicts (2 of 4 stars). 5 submissions from 4 submitters: Uncertain significance (5). Last evaluated 2025-04-17.

Conditions:
Wolfram syndrome 1 (WFS1). Identifiers: Orphanet 3463, MedGen C4551693, MONDO:0009101, OMIM 222300.
Cataract 41 (CTRCT41). Also called: CATARACT 41, CONGENITAL NUCLEAR TYPE. Identifiers: Orphanet 91492, Orphanet 98991, Orphanet 98992, Orphanet 98995, MedGen C3805412, MONDO:0007287, OMIM 116400.
Autosomal dominant nonsyndromic hearing loss 6 (LFSNHL). Also called: DEAFNESS, AUTOSOMAL DOMINANT 6; Autosomal dominant nonsyndromic deafness 6; DEAFNESS, AUTOSOMAL DOMINANT 14; DEAFNESS, AUTOSOMAL DOMINANT 38. Identifiers: Orphanet 90635, MedGen C1833021, MONDO:0010963, OMIM 600965.
Type 2 diabetes mellitus. Also called: Type II diabetes mellitus. Identifiers: MedGen C0011860, MeSH D003924, MONDO:0005148, OMIM 125853, HP:0005978.
Wolfram-like syndrome. Also called: HEARING LOSS, PROGRESSIVE, WITH OPTIC ATROPHY AND/OR IMPAIRED GLUCOSE REGULATION. Identifiers: Orphanet 411590, MedGen C3280358, MONDO:0013673, OMIM 614296.
WFS1-Related Spectrum Disorders.

Allele frequency attached by ClinVar (database versions not stated): gnomAD exomes below 0.00001 and 0.00001; TOPMed 0.00001.
gnomAD v4.1: 19 of 1,612,628 alleles (0.0012%); highest among the groups gnomAD compares: Middle Eastern, 0.016%; no homozygotes.

Submissions (5):

Labcorp Genetics (formerly Invitae), Labcorp
Classification: Uncertain significance. Last evaluated: 2025-04-17. Review status: criteria provided, single submitter. Criteria: Invitae Variant Classification Sherloc (09022015). Collection method: clinical testing. Allele origin: germline.
Comment: This sequence change replaces arginine, which is basic and polar, with histidine, which is basic and polar, at codon 791 of the WFS1 protein (p.Arg791His). This variant is present in population databases (no rsID available, gnomAD 0.0009%). This variant has not been reported in the literature in individuals affected with WFS1-related conditions. ClinVar contains an entry for this variant (Variation ID: 349326). Invitae Evidence Modeling of protein sequence and biophysical properties (such as structural, functional, and spatial information, amino acid conservation, physicochemical variation, residue mobility, and thermodynamic stability) indicates that this missense variant is not expected to disrupt WFS1 protein function with a negative predictive value of 95%. In summary, the available evidence is currently insufficient to determine the role of this variant in disease. Therefore, it has been classified as a Variant of Uncertain Significance.

Fulgent Genetics
Classification: Uncertain significance for Cataract 41; Type 2 diabetes mellitus; Wolfram syndrome 1; Autosomal dominant nonsyndromic hearing loss 6; Wolfram-like syndrome. Last evaluated: 2024-04-16. Review status: criteria provided, single submitter. Criteria: ACMG Guidelines, 2015. Collection method: clinical testing. Allele origin: germline.

Illumina Laboratory Services, Illumina
Classification: Uncertain significance for Autosomal dominant nonsyndromic hearing loss 6. Last evaluated: 2018-01-13. Review status: criteria provided, single submitter. Criteria: ICSL Variant Classification Criteria 13 December 2019. Collection method: clinical testing. Allele origin: germline.

Illumina Laboratory Services, Illumina
Classification: Uncertain significance for WFS1-Related Spectrum Disorders. Last evaluated: 2018-01-13. Review status: criteria provided, single submitter. Criteria: ICSL Variant Classification Criteria 13 December 2019. Collection method: clinical testing. Allele origin: germline.

Clinical Genomics, Uppaluri K&H Personalized Medicine Clinic
Classification: Uncertain significance for Wolfram syndrome 1. Review status: criteria provided, single submitter. Criteria: K & H Uppaluri Personalized Medicine Clinic Variant Classification & Assertion Criteria_Updated V.1. Collection method: research. Allele origin: unknown. Inheritance: Autosomal recessive inheritance.
Comment: Potent mutations in WFS1 gene are associated with Wolfram's syndrome, an autosomal recessive condition, which cause diabetes mellitus, diabetes insipidus, deafness and optic atrophy. However no sufficient evidence is found to ascertain the role of this particular variant rs775659531 in Wolfram's syndrome yet.

Literature cited by the submitters: PubMed 20738327 (cited by Clinical Genomics, Uppaluri K&H Personalized Medicine Clinic); PubMed 33879153 (cited by Clinical Genomics, Uppaluri K&H Personalized Medicine Clinic); PubMed 12955714 (cited by Clinical Genomics, Uppaluri K&H Personalized Medicine Clinic); PubMed 18060660 (cited by Clinical Genomics, Uppaluri K&H Personalized Medicine Clinic); PubMed 20301750 (cited by Clinical Genomics, Uppaluri K&H Personalized Medicine Clinic); PubMed 17603484 (cited by Clinical Genomics, Uppaluri K&H Personalized Medicine Clinic).

NM_006005.3(WFS1):c.2372G>A (p.Arg791His)

Gene: WFS1 (wolframin ER transmembrane glycoprotein; plus strand). Cytogenetic location: 4p16.1.
Variant type: single nucleotide variant.
Coding change: c.2372G>A on transcript NM_006005.3 (MANE Select); coding-DNA position 2372, G replaced by A.
Protein change: p.Arg791His; replaces arginine 791 with histidine.
Molecular consequence: missense variant.
Genome position (GRCh38, 1-based): chr4:6,302,167, G>A. VCF-style: chr4-6302167-G-A. GRCh37 (hg19) VCF-style: chr4-6303894-G-A.
Other names: c.2372G>A, p.Arg791His (NM_001145853.1); short protein forms R791H.
Identifiers: ClinVar variation 349326 (VCV000349326.15), dbSNP rs775659531, ClinGen allele CA10619015.
Genomic context (GRCh38, chr4:6,302,167, plus strand): 5'-ACCGCTACAAGTTTGAGATTACCGTGGGCATGCCATTCAGCAGCGGCGCTGACGGCTCGC[G>A]CAGCCGCGAGGAGGACGACGTCACCAAGGACATCGTGCTGCGGGCCAGCAGCGAGTTCAA-3'
Protein context (NP_005996.2, residues 781-801): MPFSSGADGS[Arg791His]SREEDDVTKD